The following is an entry in ClinVar:

ClinVar aggregate classification (germline): Uncertain significance (1 of 4 stars; one submission).

Conditions:
Familial cold autoinflammatory syndrome 2 (FCAS2). Identifiers: Orphanet 247868, MedGen C2673198, MONDO:0012724, OMIM 611762.

Submission:

Labcorp Genetics (formerly Invitae), Labcorp
Classification: Uncertain significance for Familial cold autoinflammatory syndrome 2. Last evaluated: 2023-11-19. Review status: criteria provided, single submitter. Criteria: Invitae Variant Classification Sherloc (09022015). Collection method: clinical testing. Allele origin: germline.
Comment: This sequence change replaces valine, which is neutral and non-polar, with glycine, which is neutral and non-polar, at codon 403 of the NLRP12 protein (p.Val403Gly). This variant is not present in population databases (gnomAD no frequency). This variant has not been reported in the literature in individuals affected with NLRP12-related conditions. Advanced modeling of protein sequence and biophysical properties (such as structural, functional, and spatial information, amino acid conservation, physicochemical variation, residue mobility, and thermodynamic stability) performed at Invitae indicates that this missense variant is not expected to disrupt NLRP12 protein function with a negative predictive value of 80%. In summary, the available evidence is currently insufficient to determine the role of this variant in disease. Therefore, it has been classified as a Variant of Uncertain Significance.

NM_144687.4(NLRP12):c.1208T>G (p.Val403Gly)

Gene: NLRP12 (NLR family pyrin domain containing 12; minus strand). Cytogenetic location: 19q13.42.
Variant type: single nucleotide variant.
Coding change: c.1208T>G on transcript NM_144687.4 (MANE Select); coding-DNA position 1208, T replaced by G.
Protein change: p.Val403Gly; replaces valine 403 with glycine.
Molecular consequence: missense variant.
Genome position (GRCh38, 1-based): chr19:53,810,451, A>C on the plus strand (T>G on the coding strand, the complement: NLRP12 is on the minus strand). VCF-style: chr19-53810451-A-C. GRCh37 (hg19) VCF-style: chr19-54313705-A-C.
Other names: c.1208T>G, p.Val403Gly (NM_001277126.2, NM_001277129.1); short protein forms V403G.
Identifiers: ClinVar variation 2778238 (VCV002778238.3), dbSNP rs760314848, ClinGen allele CA407414001.